The following is an entry in ClinVar:

NM_032638.5(GATA2):c.814G>A (p.Gly272Arg)

Gene: GATA2 (GATA binding protein 2; minus strand). Cytogenetic location: 3q21.3.
Variant type: single nucleotide variant.
Coding change: c.814G>A on transcript NM_032638.5 (MANE Select); coding-DNA position 814, G replaced by A.
Protein change: p.Gly272Arg; replaces glycine 272 with arginine.
Molecular consequence: missense variant.
Genome position (GRCh38, 1-based): chr3:128,485,784, C>T on the plus strand (G>A on the coding strand, the complement: GATA2 is on the minus strand). VCF-style: chr3-128485784-C-T. GRCh37 (hg19) VCF-style: chr3-128204627-C-T.
Other names: c.814G>A, p.Gly272Arg (NM_001145661.2, NM_001145662.1); short protein forms G272R.
Identifiers: ClinVar variation 1949954 (VCV001949954.5), dbSNP rs367955980, ClinGen allele CA354405832.

ClinVar aggregate classification (germline): Uncertain significance (1 of 4 stars; one submission).

Conditions:
Deafness-lymphedema-leukemia syndrome. Also called: Lymphedema, primary, with myelodysplasia; Emberger syndrome. Identifiers: Orphanet 3226, MedGen C3279664, MONDO:0013540, OMIM 614038.
Monocytopenia with susceptibility to infections. Also called: MONOCYTOPENIA AND MYCOBACTERIAL INFECTION SYNDROME; MONOCYTOPENIA WITH SUSCEPTIBILITY TO MYCOBACTERIAL, FUNGAL, AND PAPILLOMAVIRUS INFECTIONS AND MYELODYSPLASIA; COMBINED IMMUNODEFICIENCY WITH SUSCEPTIBILITY TO MYCOBACTERIAL, VIRAL, AND FUNGAL INFECTIONS; Dendritic cell, monocyte, B lymphocyte, and natural killer lymphocyte deficiency; GATA2 DEFICIENCY; IMMUNODEFICIENCY 21. Identifiers: Orphanet 228423, MedGen C3280030, MONDO:0013607, OMIM 614172.

Submission:

Labcorp Genetics (formerly Invitae), Labcorp
Classification: Uncertain significance for Monocytopenia with susceptibility to infections; Deafness-lymphedema-leukemia syndrome. Last evaluated: 2022-03-05. Review status: criteria provided, single submitter. Criteria: Invitae Variant Classification Sherloc (09022015). Collection method: clinical testing. Allele origin: germline.
Comment: This sequence change replaces glycine, which is neutral and non-polar, with arginine, which is basic and polar, at codon 272 of the GATA2 protein (p.Gly272Arg). The frequency data for this variant in the population databases is considered unreliable, as metrics indicate poor data quality at this position in the gnomAD database. This variant has not been reported in the literature in individuals affected with GATA2-related conditions. Algorithms developed to predict the effect of missense changes on protein structure and function are either unavailable or do not agree on the potential impact of this missense change (SIFT: "Tolerated"; PolyPhen-2: "Probably Damaging"; Align-GVGD: "Class C0"). In summary, the available evidence is currently insufficient to determine the role of this variant in disease. Therefore, it has been classified as a Variant of Uncertain Significance.